The following is an entry in ClinVar:

ClinVar aggregate classification (germline): Uncertain significance (1 of 4 stars; one submission).

Conditions:
Cohen syndrome (COH1). Also called: PEPPER SYNDROME; Cutis verticis gyrata, retinitis pigmentosa, and sensorineural deafness. Identifiers: Orphanet 193, MedGen C0265223, MONDO:0008999, OMIM 216550.

Submission:

Labcorp Genetics (formerly Invitae), Labcorp
Classification: Uncertain significance for Cohen syndrome. Last evaluated: 2022-04-13. Review status: criteria provided, single submitter. Criteria: Invitae Variant Classification Sherloc (09022015). Collection method: clinical testing. Allele origin: germline.
Comment: In summary, the available evidence is currently insufficient to determine the role of this variant in disease. Therefore, it has been classified as a Variant of Uncertain Significance. Algorithms developed to predict the effect of missense changes on protein structure and function are either unavailable or do not agree on the potential impact of this missense change (SIFT: "Not Available"; PolyPhen-2: "Probably Damaging"; Align-GVGD: "Not Available"). This variant has not been reported in the literature in individuals affected with VPS13B-related conditions. This variant is not present in population databases (gnomAD no frequency). This sequence change replaces glycine, which is neutral and non-polar, with serine, which is neutral and polar, at codon 104 of the VPS13B protein (p.Gly104Ser).

NM_152564.5(VPS13B):c.310G>A (p.Gly104Ser)

Gene: VPS13B (vacuolar protein sorting 13 homolog B; plus strand). Cytogenetic location: 8q22.2.
Variant type: single nucleotide variant.
Coding change: c.310G>A on transcript NM_152564.5 (MANE Select); coding-DNA position 310, G replaced by A.
Protein change: p.Gly104Ser; replaces glycine 104 with serine.
Molecular consequence: missense variant. On other transcripts: non-coding transcript variant (1).
Genome position (GRCh38, 1-based): chr8:99,096,330, G>A. VCF-style: chr8-99096330-G-A. GRCh37 (hg19) VCF-style: chr8-100108558-G-A.
Other names: c.310G>A, p.Gly104Ser (NM_015243.3, NM_017890.5, NM_181661.3); short protein forms G104S.
Identifiers: ClinVar variation 1909942 (VCV001909942.5), dbSNP rs2488604798, ClinGen allele CA371858043.